The following is an entry in ClinVar:

NM_000744.7(CHRNA4):c.1069C>T (p.Leu357Phe)

Gene: CHRNA4 (cholinergic receptor nicotinic alpha 4 subunit; minus strand). Cytogenetic location: 20q13.33.
Variant type: single nucleotide variant.
Coding change: c.1069C>T on transcript NM_000744.7 (MANE Select); coding-DNA position 1069, C replaced by T.
Protein change: p.Leu357Phe; replaces leucine 357 with phenylalanine.
Molecular consequence: missense variant. On other transcripts: non-coding transcript variant (1).
Genome position (GRCh38, 1-based): chr20:63,350,342, G>A on the plus strand (C>T on the coding strand, the complement: CHRNA4 is on the minus strand). VCF-style: chr20-63350342-G-A. GRCh37 (hg19) VCF-style: chr20-61981694-G-A.
Other names: c.541C>T, p.Leu181Phe (NM_001256573.2); short protein forms L357F, L181F.
Identifiers: ClinVar variation 1368837 (VCV001368837.6), dbSNP rs1215991666, ClinGen allele CA409635305.

ClinVar aggregate classification (germline): Uncertain significance (1 of 4 stars; one submission).

Conditions:
Familial sleep-related hypermotor epilepsy. Also called: Autosomal Dominant Sleep-Related Hypermotor (Hyperkinetic) Epilepsy. Identifiers: Orphanet 98784, MedGen C3696898, MONDO:0000030.

Allele frequency attached by ClinVar (database versions not stated): gnomAD exomes below 0.00001.
gnomAD v4.1: 2 of 1,613,570 alleles (0.00012%); highest among the groups gnomAD compares: Admixed American, 0.0033%; no homozygotes.

Submission:

Labcorp Genetics (formerly Invitae), Labcorp
Classification: Uncertain significance. Last evaluated: 2022-06-13. Review status: criteria provided, single submitter. Criteria: Invitae Variant Classification Sherloc (09022015). Collection method: clinical testing. Allele origin: germline.
Comment: In summary, the available evidence is currently insufficient to determine the role of this variant in disease. Therefore, it has been classified as a Variant of Uncertain Significance. Algorithms developed to predict the effect of missense changes on protein structure and function output the following: SIFT: "Tolerated"; PolyPhen-2: "Benign"; Align-GVGD: "Class C0". The phenylalanine amino acid residue is found in multiple mammalian species, which suggests that this missense change does not adversely affect protein function. This variant has not been reported in the literature in individuals affected with CHRNA4-related conditions. This variant is present in population databases (no rsID available, gnomAD 0.003%). This sequence change replaces leucine, which is neutral and non-polar, with phenylalanine, which is neutral and non-polar, at codon 357 of the CHRNA4 protein (p.Leu357Phe).